The following is an entry in ClinVar:

ClinVar aggregate classification (germline): Uncertain significance. Review status: criteria provided, multiple submitters, no conflicts (2 of 4 stars). 4 submissions from 4 submitters: Uncertain significance (4). Last evaluated 2026-03-02.

Conditions:
Retinitis pigmentosa (RP). Identifiers: Orphanet 791, MedGen C0035334, MeSH D012174, MONDO:0019200, OMIM 268000. Inheritance: Autosomal dominant, autosomal recessive and X linked inheritance.
PCARE-related disorder. Also called: PCARE-related condition.

Allele frequency attached by ClinVar (database versions not stated): ExAC 0.00003; gnomAD exomes 0.00004 and 0.00009; TOPMed 0.00009; gnomAD 0.00010.
gnomAD v4.1: 144 of 1,571,610 alleles (0.0092%); highest among the groups gnomAD compares: Non-Finnish European, 0.012%; no homozygotes.

Submissions (4):

PreventionGenetics, part of Exact Sciences
Classification: Uncertain significance for PCARE-related condition. Last evaluated: 2026-03-02. Review status: criteria provided, single submitter. Criteria: ACMG Guidelines, 2015. Collection method: clinical testing. Allele origin: germline.
Comment: The PCARE c.3194C>G variant is predicted to result in the amino acid substitution p.Pro1065Arg. To our knowledge, this variant has not been reported in the literature. This variant is present in 0.0080% of alleles in individuals of European (Non-Finnish) descent in gnomAD. At this time, the clinical significance of this variant is uncertain due to the absence of conclusive functional and genetic evidence.

Blueprint Genetics
Classification: Uncertain significance. Last evaluated: 2023-12-18. Review status: criteria provided, single submitter. Criteria: ACMG Guidelines, 2015. Collection method: clinical testing. Allele origin: germline.

Labcorp Genetics (formerly Invitae), Labcorp
Classification: Uncertain significance. Last evaluated: 2022-07-22. Review status: criteria provided, single submitter. Criteria: Invitae Variant Classification Sherloc (09022015). Collection method: clinical testing. Allele origin: germline.
Comment: This sequence change replaces proline, which is neutral and non-polar, with arginine, which is basic and polar, at codon 1065 of the PCARE protein (p.Pro1065Arg). This variant is present in population databases (rs201528802, gnomAD 0.007%). This variant has not been reported in the literature in individuals affected with PCARE-related conditions. ClinVar contains an entry for this variant (Variation ID: 896274). Algorithms developed to predict the effect of missense changes on protein structure and function are either unavailable or do not agree on the potential impact of this missense change (SIFT: "Deleterious"; PolyPhen-2: "Benign"; Align-GVGD: "Class C0"). In summary, the available evidence is currently insufficient to determine the role of this variant in disease. Therefore, it has been classified as a Variant of Uncertain Significance.

Illumina Laboratory Services, Illumina
Classification: Uncertain significance for Retinitis pigmentosa. Last evaluated: 2018-01-13. Review status: criteria provided, single submitter. Criteria: ICSL Variant Classification Criteria 13 December 2019. Collection method: clinical testing. Allele origin: germline.

NM_001029883.3(PCARE):c.3194C>G (p.Pro1065Arg)

Gene: PCARE (photoreceptor cilium actin regulator; minus strand). Cytogenetic location: 2p23.2.
Variant type: single nucleotide variant.
Coding change: c.3194C>G on transcript NM_001029883.3 (MANE Select); coding-DNA position 3194, C replaced by G.
Protein change: p.Pro1065Arg; replaces proline 1065 with arginine.
Molecular consequence: missense variant.
Genome position (GRCh38, 1-based): chr2:29,071,068, G>C on the plus strand (C>G on the coding strand, the complement: PCARE is on the minus strand). VCF-style: chr2-29071068-G-C. GRCh37 (hg19) VCF-style: chr2-29293934-G-C.
Other names: short protein forms P1065R.
Identifiers: ClinVar variation 896274 (VCV000896274.10), dbSNP rs201528802, ClinGen allele CA1591991.